The following is an entry in ClinVar:

NC_000003.11:g.(?_101010303)_(101010374_?)del

Gene: IMPG2 (interphotoreceptor matrix proteoglycan 2; minus strand). Cytogenetic location: 3q12.3.
Variant type: Deletion.
Identifiers: ClinVar variation 1455690 (VCV001455690.7).

ClinVar aggregate classification (germline): Pathogenic (1 of 4 stars; one submission).

Submission:

Labcorp Genetics (formerly Invitae), Labcorp
Classification: Pathogenic. Last evaluated: 2023-10-17. Review status: criteria provided, single submitter. Criteria: Invitae Variant Classification Sherloc (09022015). Collection method: clinical testing. Allele origin: germline.
Comment: This variant is a gross deletion of the genomic region encompassing exon(s) 4 of the IMPG2 gene. This deletion is out-of-frame, and is expected to create a premature termination codon and result in an absent or disrupted protein product. Loss-of-function variants in IMPG2 are known to be pathogenic (PMID: 20673862). This variant has not been reported in the literature in individuals affected with IMPG2-related conditions. For these reasons, this variant has been classified as Pathogenic.

Literature cited by the submitters: PubMed 20673862.